The following is an entry in ClinVar:

ClinVar aggregate classification (germline): Uncertain significance (1 of 4 stars; one submission).

Conditions:
Hereditary cancer-predisposing syndrome. Also called: Neoplastic Syndromes, Hereditary; Tumor predisposition; Hereditary Cancer Syndrome; Hereditary neoplastic syndrome. Identifiers: Orphanet 140162, MedGen C0027672, MeSH D009386, MONDO:0015356.

Submission:

Ambry Genetics
Classification: Uncertain significance for Hereditary cancer-predisposing syndrome. Last evaluated: 2025-12-09. Review status: criteria provided, single submitter. Criteria: Ambry Variant Classification Scheme 2023. Collection method: clinical testing. Allele origin: germline.
Comment: The c.1476C>T variant (also known as p.S492S), located in coding exon 12 of the EGFR gene, results from a C to T substitution at nucleotide position 1476. This nucleotide substitution does not change the amino acid at codon 492. This nucleotide position is well conserved in available vertebrate species. In silico splice site analysis predicts that this alteration may weaken the native splice donor site. Based on the available evidence, the clinical significance of this variant remains unclear.

NM_005228.5(EGFR):c.1476C>T (p.Ser492=)

Gene: EGFR (epidermal growth factor receptor; plus strand). Cytogenetic location: 7p11.2.
Variant type: single nucleotide variant.
Coding change: c.1476C>T on transcript NM_005228.5 (MANE Select); coding-DNA position 1476, C replaced by T.
Protein change: p.Ser492=; no amino-acid change (serine 492 retained).
Molecular consequence: synonymous variant.
Genome position (GRCh38, 1-based): chr7:55,160,316, C>T. VCF-style: chr7-55160316-C-T. GRCh37 (hg19) VCF-style: chr7-55228009-C-T.
Other names: c.1341C>T, p.Ser447= (NM_001346897.2, NM_001346899.2); c.1476C>T, p.Ser492= (NM_001346898.2, NM_201282.2, NM_201284.2); c.1317C>T, p.Ser439= (NM_001346900.2); c.675C>T, p.Ser225= (NM_001346941.2).
Identifiers: ClinVar variation 4639835 (VCV004639835.1).